The following is an entry in ClinVar:

NM_003737.4(DCHS1):c.4448T>C (p.Val1483Ala)

Gene: DCHS1 (dachsous cadherin-related 1; minus strand). Cytogenetic location: 11p15.4.
Variant type: single nucleotide variant.
Coding change: c.4448T>C on transcript NM_003737.4 (MANE Select); coding-DNA position 4448, T replaced by C.
Protein change: p.Val1483Ala; replaces valine 1483 with alanine.
Molecular consequence: missense variant.
Genome position (GRCh38, 1-based): chr11:6,630,346, A>G on the plus strand (T>C on the coding strand, the complement: DCHS1 is on the minus strand). VCF-style: chr11-6630346-A-G. GRCh37 (hg19) VCF-style: chr11-6651577-A-G.
Other names: short protein forms V1483A.
Identifiers: ClinVar variation 2155860 (VCV002155860.4), dbSNP rs1855881029, ClinGen allele CA379404932.

ClinVar aggregate classification (germline): Uncertain significance (1 of 4 stars; one submission).

Allele frequency attached by ClinVar (database versions not stated): TOPMed below 0.00001; gnomAD exomes 0.00002.
gnomAD v4.1: 27 of 1,311,232 alleles (0.0021%); highest among the groups gnomAD compares: South Asian, 0.049%; no homozygotes.

Submission:

Labcorp Genetics (formerly Invitae), Labcorp
Classification: Uncertain significance. Last evaluated: 2022-07-10. Review status: criteria provided, single submitter. Criteria: Invitae Variant Classification Sherloc (09022015). Collection method: clinical testing. Allele origin: germline.
Comment: In summary, the available evidence is currently insufficient to determine the role of this variant in disease. Therefore, it has been classified as a Variant of Uncertain Significance. Advanced modeling of protein sequence and biophysical properties (such as structural, functional, and spatial information, amino acid conservation, physicochemical variation, residue mobility, and thermodynamic stability) performed at Invitae indicates that this missense variant is not expected to disrupt DCHS1 protein function. This variant has not been reported in the literature in individuals affected with DCHS1-related conditions. This variant is not present in population databases (gnomAD no frequency). This sequence change replaces valine, which is neutral and non-polar, with alanine, which is neutral and non-polar, at codon 1483 of the DCHS1 protein (p.Val1483Ala).